The following is an entry in ClinVar:

ClinVar aggregate classification (germline): Uncertain significance (1 of 4 stars; one submission).

Conditions:
Familial cancer of breast. Also called: BREAST CANCER, FAMILIAL; Hereditary breast cancer; hereditary breast carcinoma. Identifiers: Orphanet 227535, MedGen C0346153, MONDO:0016419, OMIM 114480. Disease mechanism: loss of function.
Fanconi anemia complementation group J. Also called: BRIP1-Related Fanconi Anemia. Identifiers: Orphanet 84, MedGen C1836860, MONDO:0012187, OMIM 609054.

Allele frequency attached by ClinVar (database versions not stated): gnomAD exomes below 0.00001.
gnomAD v4.1: 1 of 1,610,596 alleles (0.000062%); highest among the groups gnomAD compares: Non-Finnish European, 0.000085%; no homozygotes.

Submission:

Labcorp Genetics (formerly Invitae), Labcorp
Classification: Uncertain significance for Familial cancer of breast; Fanconi anemia complementation group J. Last evaluated: 2019-04-01. Review status: criteria provided, single submitter. Criteria: Invitae Variant Classification Sherloc (09022015). Collection method: clinical testing. Allele origin: germline.
Comment: This variant has not been reported in the literature in individuals with BRIP1-related conditions. In summary, the available evidence is currently insufficient to determine the role of this variant in disease. Therefore, it has been classified as a Variant of Uncertain Significance. Algorithms developed to predict the effect of missense changes on protein structure and function (SIFT, PolyPhen-2, Align-GVGD) all suggest that this variant is likely to be tolerated, but these predictions have not been confirmed by published functional studies and their clinical significance is uncertain. This variant is not present in population databases (ExAC no frequency). This sequence change replaces tryptophan with glycine at codon 5 of the BRIP1 protein (p.Trp5Gly). The tryptophan residue is weakly conserved and there is a large physicochemical difference between tryptophan and glycine.

NM_032043.3(BRIP1):c.13T>G (p.Trp5Gly)

Gene: BRIP1 (BRCA1 interacting DNA helicase 1; minus strand). Cytogenetic location: 17q23.2.
Variant type: single nucleotide variant.
Coding change: c.13T>G on transcript NM_032043.3 (MANE Select); coding-DNA position 13, T replaced by G.
Protein change: p.Trp5Gly; replaces tryptophan 5 with glycine.
Molecular consequence: missense variant.
Genome position (GRCh38, 1-based): chr17:61,861,527, A>C on the plus strand (T>G on the coding strand, the complement: BRIP1 is on the minus strand). VCF-style: chr17-61861527-A-C. GRCh37 (hg19) VCF-style: chr17-59938888-A-C.
Other names: short protein forms W5G.
Identifiers: ClinVar variation 944748 (VCV000944748.10), dbSNP rs2078973498, ClinGen allele CA400486075.